The following is an entry in ClinVar:

ClinVar aggregate classification (germline): Uncertain significance (1 of 4 stars; one submission).

Submission:

Women's Health and Genetics/Laboratory Corporation of America, LabCorp
Classification: Uncertain significance. Last evaluated: 2020-02-24. Review status: criteria provided, single submitter. Criteria: LabCorp Variant Classification Summary - May 2015. Collection method: clinical testing. Allele origin: germline.
Comment: Variant summary: TTN c.32407+14C>A alters a non-conserved nucleotide located close to a canonical splice site and therefore could affect mRNA splicing, leading to a significantly altered protein sequence. 4/4 computational tools predict no significant impact on normal splicing. However, these predictions have yet to be confirmed by functional studies. The variant was absent in 218788 control chromosomes (gnomAD). The available data on variant occurrences in the general population are insufficient to allow any conclusion about variant significance. To our knowledge, no occurrence of c.32407+14C>A in individuals affected with Cardiomyopathy and no experimental evidence demonstrating its impact on protein function have been reported. No clinical diagnostic laboratories have submitted clinical-significance assessments for this variant to ClinVar after 2014. Based on the evidence outlined above, the variant was classified as uncertain significance.

NM_001267550.2(TTN):c.39709+14C>A

Gene: TTN (titin; minus strand). Cytogenetic location: 2q31.2.
Variant type: single nucleotide variant.
Coding change: c.39709+14C>A on transcript NM_001267550.2 (MANE Select); 14 bases into the intron after coding-DNA position 39709, C replaced by A.
Molecular consequence: intron variant.
Genome position (GRCh38, 1-based): chr2:178,650,737, G>T on the plus strand (C>A on the coding strand, the complement: TTN is on the minus strand). VCF-style: chr2-178650737-G-T. GRCh37 (hg19) VCF-style: chr2-179515464-G-T.
Other names: c.13283-8420C>A (NM_003319.4); c.13859-8420C>A (NM_133437.4); c.13658-8420C>A (NM_133432.3); c.32407+14C>A (NM_133378.4); c.35188+14C>A (NM_001256850.1).
Identifiers: ClinVar variation 917691 (VCV000917691.1), dbSNP rs760314415, ClinGen allele CA1139657472.
Genomic context (GRCh38, chr2:178,650,737, plus strand): 5'-AAGGAAGAAGAACAAAGCTTAAATTAGAAATAGTCGCAAGTGGCAAGGTCATTAATCACC[G>T]GTCTCACGTGTACCTTCTGGGGGAGGAGACTCCGCTCTTTCTGGAACAGGAACAGCTGGT-3'